The following is an entry in ClinVar:

NM_015102.5(NPHP4):c.3996+3C>T

Gene: NPHP4 (nephrocystin 4; minus strand). Cytogenetic location: 1p36.31.
Variant type: single nucleotide variant.
Coding change: c.3996+3C>T on transcript NM_015102.5 (MANE Select); 3 bases into the intron after coding-DNA position 3996, C replaced by T.
Molecular consequence: intron variant.
Genome position (GRCh38, 1-based): chr1:5,864,335, G>A on the plus strand (C>T on the coding strand, the complement: NPHP4 is on the minus strand). VCF-style: chr1-5864335-G-A. GRCh37 (hg19) VCF-style: chr1-5924395-G-A.
Other names: c.3996+3C>T (NM_015102.4); c.2460+3C>T (NM_001291594.2); c.2457+3C>T (NM_001291593.2).
Identifiers: ClinVar variation 1390698 (VCV001390698.9), dbSNP rs373386232, ClinGen allele CA553401.
Genomic context (GRCh38, chr1:5,864,335, plus strand): 5'-GTCCTGCAGTGCCCTGGTATTGAGCCCCCATCCCCTCAGCCTGTGCCTGCCACACATACA[G>A]ACCTTGGAGATGAGCGGCTGGCGGCAGCAGAGGCACACGAGCCAGGAGGCCACCAGCTGG-3'

ClinVar aggregate classification (germline): Conflicting classifications of pathogenicity. Review status: criteria provided, conflicting classifications (1 of 4 stars). 4 submissions from 4 submitters: Uncertain significance (2); Likely benign (1). 1 of the submissions does not count toward it. Last evaluated 2026-01-24.

Conditions:
NPHP4-related disorder. Also called: NPHP4-related condition; NPHP4-related disorders. Identifiers: MedGen CN239384.
Nephronophthisis 4 (NPHP4). Also called: NEPHRONOPHTHISIS 4, JUVENILE. Identifiers: Orphanet 655, MedGen C1847013, MONDO:0011752, OMIM 606966.
Senior-Loken syndrome 4 (SLSN4). Identifiers: Orphanet 3156, MedGen C1846979, MONDO:0011756, OMIM 606996.
Nephronophthisis. Also called: Juvenile Nephronophthisis. Identifiers: Orphanet 655, MedGen C0687120, MONDO:0019005, HP:0000090.

Allele frequency attached by ClinVar (database versions not stated): gnomAD exomes 0.00001 and 0.00004; ExAC 0.00004; TOPMed 0.00011; gnomAD 0.00013; ESP Exome Variant Server 0.00016.
gnomAD v4.1: 37 of 1,602,942 alleles (0.0023%); highest among the groups gnomAD compares: African/African-American, 0.047%; no homozygotes.

Submissions (4):

Labcorp Genetics (formerly Invitae), Labcorp
Classification: Uncertain significance for Nephronophthisis. Last evaluated: 2026-01-24. Review status: criteria provided, single submitter. Criteria: Invitae Variant Classification Sherloc (09022015). Collection method: clinical testing. Allele origin: germline.
Comment: This sequence change falls in intron 28 of the NPHP4 gene. It does not directly change the encoded amino acid sequence of the NPHP4 protein. It affects a nucleotide within the consensus splice site. This variant is present in population databases (rs373386232, gnomAD 0.06%). This variant has not been reported in the literature in individuals affected with NPHP4-related conditions. ClinVar contains an entry for this variant (Variation ID: 1390698). Variants that disrupt the consensus splice site are a relatively common cause of aberrant splicing (PMID: 17576681, 9536098). Algorithms developed to predict the effect of sequence changes on RNA splicing suggest that this variant is not likely to affect RNA splicing. In summary, the available evidence is currently insufficient to determine the role of this variant in disease. Therefore, it has been classified as a Variant of Uncertain Significance.

Blueprint Genetics
Classification: Likely benign. Last evaluated: 2022-10-06. Review status: criteria provided, single submitter. Criteria: ACMG Guidelines, 2015. Collection method: clinical testing. Allele origin: germline.

Fulgent Genetics
Classification: Uncertain significance for Nephronophthisis 4; Senior-Loken syndrome 4. Last evaluated: 2022-04-20. Review status: criteria provided, single submitter. Criteria: ACMG Guidelines, 2015. Collection method: clinical testing. Allele origin: unknown.

PreventionGenetics, part of Exact Sciences
Classification: Likely benign for NPHP4-related condition. Last evaluated: 2024-08-19. Review status: no assertion criteria provided. Collection method: clinical testing. Allele origin: germline. Not counted in ClinVar's aggregate classification.
Comment: This variant is classified as likely benign based on ACMG/AMP sequence variant interpretation guidelines (Richards et al. 2015 PMID: 25741868, with internal and published modifications).

Literature cited by the submitters: PubMed 17576681 (cited by Labcorp Genetics (formerly Invitae), Labcorp); PubMed 9536098 (cited by Labcorp Genetics (formerly Invitae), Labcorp).